The following is an entry in ClinVar:

NM_001042750.2(STAG2):c.143A>G (p.Lys48Arg)

Gene: STAG2 (STAG2 cohesin complex component; plus strand). Cytogenetic location: Xq25.
Variant type: single nucleotide variant.
Coding change: c.143A>G on transcript NM_001042750.2 (MANE Select); coding-DNA position 143, A replaced by G.
Protein change: p.Lys48Arg; replaces lysine 48 with arginine.
Molecular consequence: missense variant.
Genome position (GRCh38, 1-based): chrX:124,030,980, A>G. VCF-style: chrX-124030980-A-G. GRCh37 (hg19) VCF-style: chrX-123164830-A-G.
Other names: c.143A>G, p.Lys48Arg (NM_001042749.2, NM_001042751.2, NM_001282418.2 and 13 more transcripts); short protein forms K48R.
Identifiers: ClinVar variation 1915384 (VCV001915384.5), dbSNP rs745799850, ClinGen allele CA10508563.

ClinVar aggregate classification (germline): Uncertain significance (1 of 4 stars; one submission).

Allele frequency attached by ClinVar (database versions not stated): gnomAD 0.00001; ExAC 0.00002; TOPMed 0.00002; gnomAD exomes 0.00003.
gnomAD v4.1: 32 of 1,194,692 alleles (0.0027%); highest among the groups gnomAD compares: Non-Finnish European, 0.0034%; no homozygotes.

Submission:

Labcorp Genetics (formerly Invitae), Labcorp
Classification: Uncertain significance. Last evaluated: 2024-10-23. Review status: criteria provided, single submitter. Criteria: Invitae Variant Classification Sherloc (09022015). Collection method: clinical testing. Allele origin: germline.
Comment: This sequence change replaces lysine, which is basic and polar, with arginine, which is basic and polar, at codon 48 of the STAG2 protein (p.Lys48Arg). The frequency data for this variant in the population databases is considered unreliable, as metrics indicate poor data quality at this position in the gnomAD database. This variant has not been reported in the literature in individuals affected with STAG2-related conditions. ClinVar contains an entry for this variant (Variation ID: 1915384). Invitae Evidence Modeling of protein sequence and biophysical properties (such as structural, functional, and spatial information, amino acid conservation, physicochemical variation, residue mobility, and thermodynamic stability) indicates that this missense variant is not expected to disrupt STAG2 protein function with a negative predictive value of 80%. In summary, the available evidence is currently insufficient to determine the role of this variant in disease. Therefore, it has been classified as a Variant of Uncertain Significance.